The following is an entry in ClinVar:

ClinVar aggregate classification (germline): Pathogenic (1 of 4 stars; one submission).

Conditions:
Ataxia-telangiectasia syndrome (AT). Also called: Ataxia-telangiectasia, complementation group D; ATAXIA-TELANGIECTASIA, COMPLEMENTATION GROUP A; ATAXIA-TELANGIECTASIA, FRESNO VARIANT; Ataxia-telangiectasia; Ataxia telangiectasia (A-T); Cerebello-oculocutaneous telangiectasia. Identifiers: Orphanet 100, MedGen C0004135, MONDO:0008840, OMIM 208900.

Submission:

Labcorp Genetics (formerly Invitae), Labcorp
Classification: Pathogenic for Ataxia-telangiectasia syndrome. Last evaluated: 2022-10-24. Review status: criteria provided, single submitter. Criteria: Invitae Variant Classification Sherloc (09022015). Collection method: clinical testing. Allele origin: germline.
Comment: For these reasons, this variant has been classified as Pathogenic. This variant has not been reported in the literature in individuals affected with ATM-related conditions. This variant is not present in population databases (gnomAD no frequency). This sequence change creates a premature translational stop signal (p.Glu1009Lysfs*36) in the ATM gene. It is expected to result in an absent or disrupted protein product. Loss-of-function variants in ATM are known to be pathogenic (PMID: 23807571, 25614872).

Literature cited by the submitters: PubMed 23807571; PubMed 25614872.

NM_000051.4(ATM):c.3024_3031del (p.Glu1009fs)

Gene: ATM (ATM serine/threonine kinase; plus strand). Cytogenetic location: 11q22.3.
Variant type: Deletion.
Coding change: c.3024_3031del on transcript NM_000051.4 (MANE Select); coding-DNA positions 3024 to 3031, 8 bases deleted (TGAGAACA; older notation c.3024_3031delTGAGAACA).
Protein change: p.Glu1009fs; shifts the reading frame from glutamic acid 1009.
Molecular consequence: frameshift variant.
Genome position (GRCh38, 1-based): chr11:108,271,353-108,271,360, TGAGAACA deleted. VCF-style (leftmost placement, unchanged base first): chr11-108271352-CTGAGAACA-C. GRCh37 (hg19) VCF-style: chr11-108142079-CTGAGAACA-C.
Other names: c.3024_3031del, p.Glu1009fs (NM_001351834.2); short protein forms E1009fs.
Identifiers: ClinVar variation 2036695 (VCV002036695.4), dbSNP rs2497689964, ClinGen allele CA2580083247.